The following is an entry in ClinVar:

NM_005045.4(RELN):c.55G>T (p.Ala19Ser)

Gene: RELN (reelin; minus strand). Cytogenetic location: 7q22.1.
Variant type: single nucleotide variant.
Coding change: c.55G>T on transcript NM_005045.4 (MANE Select); coding-DNA position 55, G replaced by T.
Protein change: p.Ala19Ser; replaces alanine 19 with serine.
Molecular consequence: missense variant.
Genome position (GRCh38, 1-based): chr7:103,989,302, C>A on the plus strand (G>T on the coding strand, the complement: RELN is on the minus strand). VCF-style: chr7-103989302-C-A. GRCh37 (hg19) VCF-style: chr7-103629749-C-A.
Other names: c.55G>T, p.Ala19Ser (NM_173054.3); short protein forms A19S.
Identifiers: ClinVar variation 2921492 (VCV002921492.3), dbSNP rs774554247, ClinGen allele CA4422736.

ClinVar aggregate classification (germline): Uncertain significance (1 of 4 stars; one submission).

Conditions:
Norman-Roberts syndrome (LIS2). Also called: Lissencephaly 2 (Norman-Roberts type). Identifiers: Orphanet 89844, MedGen C0796089, MONDO:0009760, OMIM 257320.
Familial temporal lobe epilepsy 7. Identifiers: Orphanet 101046, MedGen C4225327, MONDO:0014639, OMIM 616436.

Allele frequency attached by ClinVar (database versions not stated): ExAC 0.00001.

Submission:

Labcorp Genetics (formerly Invitae), Labcorp
Classification: Uncertain significance for Familial temporal lobe epilepsy 7; Norman-Roberts syndrome. Last evaluated: 2023-12-17. Review status: criteria provided, single submitter. Criteria: Invitae Variant Classification Sherloc (09022015). Collection method: clinical testing. Allele origin: germline.
Comment: This sequence change replaces alanine, which is neutral and non-polar, with serine, which is neutral and polar, at codon 19 of the RELN protein (p.Ala19Ser). This variant is present in population databases (rs774554247, gnomAD 0.005%). This variant has not been reported in the literature in individuals affected with RELN-related conditions. Advanced modeling of protein sequence and biophysical properties (such as structural, functional, and spatial information, amino acid conservation, physicochemical variation, residue mobility, and thermodynamic stability) performed at Invitae indicates that this missense variant is not expected to disrupt RELN protein function with a negative predictive value of 80%. In summary, the available evidence is currently insufficient to determine the role of this variant in disease. Therefore, it has been classified as a Variant of Uncertain Significance.